The following is an entry in ClinVar:

ClinVar aggregate classification (germline): Uncertain significance (1 of 4 stars; one submission).

Conditions:
Autosomal recessive limb-girdle muscular dystrophy type 2Y (MRRSDC). Also called: Muscular dystrophy, autosomal recessive, with rigid spine and distal joint contractures; Muscular dystrophy, limb-girdle, type 2y. Identifiers: Orphanet 424261, MedGen C4511482, MONDO:0014900, OMIM 617072.

Allele frequency attached by ClinVar (database versions not stated): 1000 Genomes Project 30x 0.00031; 1000 Genomes Project 0.00040; gnomAD 0.00001 and 0.00003; gnomAD exomes 0.00005 and 0.00007; ExAC 0.00007; TOPMed 0.00007.

Submission:

Labcorp Genetics (formerly Invitae), Labcorp
Classification: Uncertain significance for Autosomal recessive limb-girdle muscular dystrophy type 2Y. Last evaluated: 2022-07-06. Review status: criteria provided, single submitter. Criteria: Invitae Variant Classification Sherloc (09022015). Collection method: clinical testing. Allele origin: germline.
Comment: This sequence change replaces threonine, which is neutral and polar, with isoleucine, which is neutral and non-polar, at codon 127 of the TOR1AIP1 protein (p.Thr127Ile). This variant is present in population databases (rs200812894, gnomAD 0.08%). This variant has not been reported in the literature in individuals affected with TOR1AIP1-related conditions. ClinVar contains an entry for this variant (Variation ID: 566767). Algorithms developed to predict the effect of missense changes on protein structure and function (SIFT, PolyPhen-2, Align-GVGD) all suggest that this variant is likely to be tolerated. In summary, the available evidence is currently insufficient to determine the role of this variant in disease. Therefore, it has been classified as a Variant of Uncertain Significance.

NM_015602.4(TOR1AIP1):c.380C>T (p.Thr127Ile)

Genes: TOR1AIP1 (torsin 1A interacting protein 1; plus strand), LOC112577517 (Sharpr-MPRA regulatory region 13766; plus strand). Cytogenetic location: 1q25.2.
Variant type: single nucleotide variant.
Coding change: c.380C>T on transcript NM_015602.4 (MANE Select); coding-DNA position 380, C replaced by T.
Protein change: p.Thr127Ile; replaces threonine 127 with isoleucine.
Molecular consequence: missense variant.
Genome position (GRCh38, 1-based): chr1:179,882,882, C>T. VCF-style: chr1-179882882-C-T. GRCh37 (hg19) VCF-style: chr1-179852017-C-T.
Other names: c.380C>T, p.Thr127Ile (NM_001267578.2); short protein forms T127I.
Identifiers: ClinVar variation 566767 (VCV000566767.3), dbSNP rs200812894, ClinGen allele CA1268735.